The following is an entry in ClinVar:

NM_145167.3(PIGM):c.41T>C (p.Leu14Ser)

Gene: PIGM (phosphatidylinositol glycan anchor biosynthesis class M; minus strand). Cytogenetic location: 1q23.2.
Variant type: single nucleotide variant.
Coding change: c.41T>C on transcript NM_145167.3 (MANE Select); coding-DNA position 41, T replaced by C.
Protein change: p.Leu14Ser; replaces leucine 14 with serine.
Molecular consequence: missense variant.
Genome position (GRCh38, 1-based): chr1:160,031,699, A>G on the plus strand (T>C on the coding strand, the complement: PIGM is on the minus strand). VCF-style: chr1-160031699-A-G. GRCh37 (hg19) VCF-style: chr1-160001489-A-G.
Other names: short protein forms L14S.
Identifiers: ClinVar variation 3619288 (VCV003619288.2).

ClinVar aggregate classification (germline): Uncertain significance (1 of 4 stars; one submission).

Conditions:
Hypercoagulability syndrome due to glycosylphosphatidylinositol deficiency (GPIBD1). Also called: GLYCOSYLPHOSPHATIDYLINOSITOL BIOSYNTHESIS DEFECT 1. Identifiers: Orphanet 83639, MedGen C5201145, MONDO:0012465, OMIM 610293.

Submission:

Labcorp Genetics (formerly Invitae), Labcorp
Classification: Uncertain significance for Hypercoagulability syndrome due to glycosylphosphatidylinositol deficiency. Last evaluated: 2024-10-17. Review status: criteria provided, single submitter. Criteria: Invitae Variant Classification Sherloc (09022015). Collection method: clinical testing. Allele origin: germline.
Comment: This sequence change replaces leucine, which is neutral and non-polar, with serine, which is neutral and polar, at codon 14 of the PIGM protein (p.Leu14Ser). This variant is present in population databases (rs772478087, gnomAD 0.003%). This variant has not been reported in the literature in individuals affected with PIGM-related conditions. An algorithm developed to predict the effect of missense changes on protein structure and function (PolyPhen-2) suggests that this variant is likely to be tolerated. In summary, the available evidence is currently insufficient to determine the role of this variant in disease. Therefore, it has been classified as a Variant of Uncertain Significance.